The following is an entry in ClinVar:

ClinVar aggregate classification (germline): Likely benign (1 of 4 stars; one submission).

Submission:

CeGaT Center for Human Genetics Tuebingen
Classification: Likely benign. Last evaluated: 2026-06-01. Review status: criteria provided, single submitter. Criteria: CeGaT Center For Human Genetics Tuebingen Variant Classification Criteria Version 2. Collection method: clinical testing. Allele origin: germline. Affected: yes. Observed: 1 variant allele.
Comment: ATP5F1A: BP4, BP7

NM_004046.6(ATP5F1A):c.627G>A (p.Leu209=)

Gene: ATP5F1A (ATP synthase F1 subunit alpha; minus strand). Cytogenetic location: 18q21.1.
Variant type: single nucleotide variant.
Coding change: c.627G>A on transcript NM_004046.6 (MANE Select); coding-DNA position 627, G replaced by A.
Protein change: p.Leu209=; no amino-acid change (leucine 209 retained).
Molecular consequence: synonymous variant.
Genome position (GRCh38, 1-based): chr18:46,089,589, C>T on the plus strand (G>A on the coding strand, the complement: ATP5F1A is on the minus strand). VCF-style: chr18-46089589-C-T. GRCh37 (hg19) VCF-style: chr18-43669555-C-T.
Other names: c.477G>A, p.Leu159= (NM_001001935.3, NM_001257335.2); c.627G>A, p.Leu209= (NM_001001937.2); c.561G>A, p.Leu187= (NM_001257334.2).
Identifiers: ClinVar variation 4874367 (VCV004874367.2).